The following is an entry in ClinVar:

ClinVar aggregate classification (germline): Uncertain significance. Review status: criteria provided, multiple submitters, no conflicts (2 of 4 stars). 3 submissions from 3 submitters: Uncertain significance (3). Last evaluated 2025-12-20.

Conditions:
Inborn genetic diseases. Identifiers: MedGen C0950123, MeSH D030342.
Variegate porphyria, childhood-onset (VPCO). Also called: VARIEGATE PORPHYRIA, HOMOZYGOUS VARIANT. Identifiers: MedGen C5882681, MONDO:0957577, OMIM 620483.
Variegate porphyria (VP). Also called: PORPHYRIA, SOUTH AFRICAN TYPE; PROTOPORPHYRINOGEN OXIDASE DEFICIENCY; PPOX DEFICIENCY. Identifiers: Orphanet 79473, MedGen C0162532, MONDO:0008297, OMIM 176200.

Allele frequency attached by ClinVar (database versions not stated): gnomAD 0.00003; gnomAD exomes 0.00003; TOPMed 0.00004; ExAC 0.00006; ESP Exome Variant Server 0.00008; 1000 Genomes Project 30x 0.00016; 1000 Genomes Project 0.00020.
gnomAD v4.1: 48 of 1,613,822 alleles (0.003%); highest among the groups gnomAD compares: Middle Eastern, 0.033%; no homozygotes.

Submissions (3):

Labcorp Genetics (formerly Invitae), Labcorp
Classification: Uncertain significance. Last evaluated: 2025-12-20. Review status: criteria provided, single submitter. Criteria: Invitae Variant Classification Sherloc (09022015). Collection method: clinical testing. Allele origin: germline.
Comment: This sequence change replaces arginine, which is basic and polar, with cysteine, which is neutral and slightly polar, at codon 267 of the PPOX protein (p.Arg267Cys). This variant is present in population databases (rs376945264, gnomAD 0.02%). This variant has not been reported in the literature in individuals affected with PPOX-related conditions. ClinVar contains an entry for this variant (Variation ID: 2392551). Invitae Evidence Modeling of protein sequence and biophysical properties (such as structural, functional, and spatial information, amino acid conservation, physicochemical variation, residue mobility, and thermodynamic stability) indicates that this missense variant is not expected to disrupt PPOX protein function with a negative predictive value of 95%. In summary, the available evidence is currently insufficient to determine the role of this variant in disease. Therefore, it has been classified as a Variant of Uncertain Significance.

Ambry Genetics
Classification: Uncertain significance for Inborn genetic diseases. Last evaluated: 2021-08-02. Review status: criteria provided, single submitter. Criteria: Ambry Variant Classification Scheme 2023. Collection method: clinical testing. Allele origin: germline.

Department of Pathology and Laboratory Medicine, Sinai Health System
Classification: Uncertain significance for Variegate porphyria; Variegate porphyria, childhood-onset. Last evaluated: 2021-07-30. Review status: criteria provided, single submitter. Criteria: ACMG Guidelines, 2015. Collection method: research. Allele origin: germline.

NM_001122764.3(PPOX):c.799C>T (p.Arg267Cys)

Gene: PPOX (protoporphyrinogen oxidase; plus strand). Cytogenetic location: 1q23.3.
Variant type: single nucleotide variant.
Coding change: c.799C>T on transcript NM_001122764.3 (MANE Select); coding-DNA position 799, C replaced by T.
Protein change: p.Arg267Cys; replaces arginine 267 with cysteine.
Molecular consequence: missense variant.
Genome position (GRCh38, 1-based): chr1:161,169,175, C>T. VCF-style: chr1-161169175-C-T. GRCh37 (hg19) VCF-style: chr1-161138965-C-T.
Other names: c.799C>T, p.Arg267Cys (NM_000309.5, NM_001365398.1, NM_001365399.1); c.700C>T, p.Arg234Cys (NM_001350128.2); c.391C>T, p.Arg131Cys (NM_001350129.2, NM_001365400.1); c.313C>T, p.Arg105Cys (NM_001350130.2, NM_001350131.2, NM_001365401.1); short protein forms R131C, R267C, R105C, R234C.
Identifiers: ClinVar variation 2392551 (VCV002392551.6), dbSNP rs376945264, ClinGen allele CA1207246.